The following is an entry in ClinVar:

NM_000553.6(WRN):c.3803A>G (p.Glu1268Gly)

Gene: WRN (WRN RecQ like helicase; plus strand). Cytogenetic location: 8p12.
Variant type: single nucleotide variant.
Coding change: c.3803A>G on transcript NM_000553.6 (MANE Select); coding-DNA position 3803, A replaced by G.
Protein change: p.Glu1268Gly; replaces glutamic acid 1268 with glycine.
Molecular consequence: missense variant.
Genome position (GRCh38, 1-based): chr8:31,154,739, A>G. VCF-style: chr8-31154739-A-G. GRCh37 (hg19) VCF-style: chr8-31012255-A-G.
Other names: short protein forms E1268G.
Identifiers: ClinVar variation 2115061 (VCV002115061.4), dbSNP rs1563385535, ClinGen allele CA370929220.
Genomic context (GRCh38, chr8:31,154,739, plus strand): 5'-CAAAAAATAAAATATGCACACTTTCACAGTCTATGGCCATCACATACTCTTTATTCCAAG[A>G]AAAGAAGATGCCTTTGGTAAGTGTGACTTTCATGTTACAGGGAATTTTTTTAGTTTACTT-3'
Protein context (NP_000544.2, residues 1258-1278): SMAITYSLFQ[Glu1268Gly]KKMPLKSIAE

ClinVar aggregate classification (germline): Uncertain significance (1 of 4 stars; one submission).

Conditions:
Werner syndrome (WRN). Identifiers: Orphanet 902, MedGen C0043119, MONDO:0010196, OMIM 277700.

Allele frequency attached by ClinVar (database versions not stated): gnomAD exomes below 0.00001.

Submission:

Labcorp Genetics (formerly Invitae), Labcorp
Classification: Uncertain significance for Werner syndrome. Last evaluated: 2022-03-20. Review status: criteria provided, single submitter. Criteria: Invitae Variant Classification Sherloc (09022015). Collection method: clinical testing. Allele origin: germline.
Comment: This sequence change replaces glutamic acid, which is acidic and polar, with glycine, which is neutral and non-polar, at codon 1268 of the WRN protein (p.Glu1268Gly). This variant is not present in population databases (gnomAD no frequency). This variant has not been reported in the literature in individuals affected with WRN-related conditions. Algorithms developed to predict the effect of missense changes on protein structure and function are either unavailable or do not agree on the potential impact of this missense change (SIFT: "Not Available"; PolyPhen-2: "Benign"; Align-GVGD: "Not Available"). In summary, the available evidence is currently insufficient to determine the role of this variant in disease. Therefore, it has been classified as a Variant of Uncertain Significance.